The following is an entry in ClinVar:

ClinVar aggregate classification (germline): Uncertain significance. Review status: criteria provided, multiple submitters, no conflicts (2 of 4 stars). 3 submissions from 3 submitters: Uncertain significance (3). Last evaluated 2023-01-22.

Allele frequency attached by ClinVar (database versions not stated): gnomAD exomes below 0.00001.
gnomAD v4.1: 4 of 1,614,196 alleles (0.00025%); highest among the groups gnomAD compares: Non-Finnish European, 0.00034%; no homozygotes.

Submissions (3):

Women's Health and Genetics/Laboratory Corporation of America, LabCorp
Classification: Uncertain significance. Last evaluated: 2023-01-22. Review status: criteria provided, single submitter. Criteria: LabCorp Variant Classification Summary - May 2015. Collection method: clinical testing. Allele origin: germline.
Comment: Variant summary: HK1 c.2662G>A (p.Val888Met) results in a conservative amino acid change located in the Hexokinase, C-terminal domain (IPR022673) of the encoded protein sequence. Three of five in-silico tools predict a damaging effect of the variant on protein function. The variant was absent in 251478 control chromosomes. The available data on variant occurrences in the general population are insufficient to allow any conclusion about variant significance. To our knowledge, no occurrence of c.2662G>A in individuals affected with HK1-Related Disorders and no experimental evidence demonstrating its impact on protein function have been reported. One clinical diagnostic laboratory has submitted clinical-significance assessments for this variant to ClinVar after 2014 without evidence for independent evaluation and classified the variant as uncertain significance. Based on the evidence outlined above, the variant was classified as uncertain significance.

Blueprint Genetics
Classification: Uncertain significance. Last evaluated: 2020-06-30. Review status: criteria provided, single submitter. Criteria: ACMG Guidelines, 2015. Collection method: clinical testing. Allele origin: germline.

ARUP Laboratories, Molecular Genetics and Genomics, ARUP Laboratories
Classification: Uncertain significance. Last evaluated: 2017-09-26. Review status: criteria provided, single submitter. Criteria: ARUP Molecular Germline Variant Investigation Process. Collection method: clinical testing. Allele origin: germline.
Comment: The p.Val888Met variant has not been reported in the medical literature, gene specific variation databases, nor has it been previously identified by our laboratory. It is absent from general population databases such as 1000 Genomes, NHLBI GO Exome Sequencing Project (ESP), and the Genome Aggregation Database (gnomAD). The valine at position 888 is highly conserved considering 13 species (Alamut v2.9.0) and computational analyses of the effects of the p.Val888Met variant on protein structure and function provide conflicting results (SIFT: damaging, MutationTaster: disease causing, PolyPhen-2: benign). Altogether, there is not enough evidence to classify the p.Val888Met variant with certainty.

NM_000188.3(HK1):c.2662G>A (p.Val888Met)

Gene: HK1 (hexokinase 1; plus strand). Cytogenetic location: 10q22.1.
Variant type: single nucleotide variant.
Coding change: c.2662G>A on transcript NM_000188.3 (MANE Select); coding-DNA position 2662, G replaced by A.
Protein change: p.Val888Met; replaces valine 888 with methionine.
Molecular consequence: missense variant.
Genome position (GRCh38, 1-based): chr10:69,401,043, G>A. VCF-style: chr10-69401043-G-A. GRCh37 (hg19) VCF-style: chr10-71160799-G-A.
Other names: c.2674G>A, p.Val892Met (NM_001322364.2, NM_001358263.1, NM_033497.3 and 1 more transcripts); c.2767G>A, p.Val923Met (NM_001322365.2); c.2578G>A, p.Val860Met (NM_001322366.1); c.2566G>A, p.Val856Met (NM_001322367.1); c.2659G>A, p.Val887Met (NM_033496.3); c.2626G>A, p.Val876Met (NM_033500.2); short protein forms V876M, V888M, V860M, V892M, V856M, V887M, V923M.
Identifiers: ClinVar variation 618162 (VCV000618162.11), dbSNP rs1564575554, ClinGen allele CA376918111.